The following is an entry in ClinVar:

ClinVar aggregate classification (germline): Uncertain significance. Review status: criteria provided, multiple submitters, no conflicts (2 of 4 stars). 3 submissions from 3 submitters: Uncertain significance (3). Last evaluated 2025-09-03.

Conditions:
Hyperprolinemia type 2 (HYRPRO2). Also called: Deficiency of pyrroline-5-carboxylate reductase; Delta-1-pyrroline-5-carboxylate dehydrogenase deficiency; 1-PYRROLINE-5-CARBOXYLATE DEHYDROGENASE DEFICIENCY. Identifiers: Orphanet 79101, MedGen C2931835, MONDO:0009401, OMIM 239510.

Allele frequency attached by ClinVar (database versions not stated): gnomAD 0.00003; gnomAD exomes 0.00015 and 0.00004; ExAC 0.00011; TOPMed 0.00012.

Submissions (3):

Human Genetics Bochum, Ruhr University Bochum
Classification: Uncertain significance for Hyperprolinemia type 2. Last evaluated: 2025-09-03. Review status: criteria provided, single submitter. Criteria: ACMG Guidelines, 2015. Collection method: clinical testing. Allele origin: germline. Affected: yes.
Comment: in compound heterozygous state with c.1439G>A; ACMG criteria used to clasify this variant: PM2_SUP, BS1_SUP

Ambry Genetics
Classification: Uncertain significance. Last evaluated: 2025-08-04. Review status: criteria provided, single submitter. Criteria: Ambry Variant Classification Scheme 2023. Collection method: clinical testing. Allele origin: germline.

Labcorp Genetics (formerly Invitae), Labcorp
Classification: Uncertain significance for Hyperprolinemia type 2. Last evaluated: 2022-07-18. Review status: criteria provided, single submitter. Criteria: Invitae Variant Classification Sherloc (09022015). Collection method: clinical testing. Allele origin: germline.
Comment: This sequence change replaces threonine, which is neutral and polar, with methionine, which is neutral and non-polar, at codon 542 of the ALDH4A1 protein (p.Thr542Met). This variant is present in population databases (rs771061582, gnomAD 0.09%). This variant has not been reported in the literature in individuals affected with ALDH4A1-related conditions. ClinVar contains an entry for this variant (Variation ID: 655344). Algorithms developed to predict the effect of missense changes on protein structure and function are either unavailable or do not agree on the potential impact of this missense change (SIFT: "Deleterious"; PolyPhen-2: "Probably Damaging"; Align-GVGD: "Class C0"). In summary, the available evidence is currently insufficient to determine the role of this variant in disease. Therefore, it has been classified as a Variant of Uncertain Significance.

NM_003748.4(ALDH4A1):c.1625C>T (p.Thr542Met)

Gene: ALDH4A1 (aldehyde dehydrogenase 4 family member A1; minus strand). Cytogenetic location: 1p36.13.
Variant type: single nucleotide variant.
Coding change: c.1625C>T on transcript NM_003748.4 (MANE Select); coding-DNA position 1625, C replaced by T.
Protein change: p.Thr542Met; replaces threonine 542 with methionine.
Molecular consequence: missense variant.
Genome position (GRCh38, 1-based): chr1:18,872,912, G>A on the plus strand (C>T on the coding strand, the complement: ALDH4A1 is on the minus strand). VCF-style: chr1-18872912-G-A. GRCh37 (hg19) VCF-style: chr1-19199406-G-A.
Other names: c.1445C>T, p.Thr482Met (NM_001161504.2); c.1472C>T, p.Thr491Met (NM_001319218.2); c.1625C>T, p.Thr542Met (NM_170726.3); short protein forms T482M, T542M, T491M.
Identifiers: ClinVar variation 655344 (VCV000655344.6), dbSNP rs771061582, ClinGen allele CA646807.